The following is an entry in ClinVar:

NM_020376.4(PNPLA2):c.437G>T (p.Gly146Val)

Gene: PNPLA2 (patatin like domain 2, triacylglycerol lipase; plus strand). Cytogenetic location: 11p15.5.
Variant type: single nucleotide variant.
Coding change: c.437G>T on transcript NM_020376.4 (MANE Select); coding-DNA position 437, G replaced by T.
Protein change: p.Gly146Val; replaces glycine 146 with valine.
Molecular consequence: missense variant.
Genome position (GRCh38, 1-based): chr11:821,974, G>T. VCF-style: chr11-821974-G-T. GRCh37 (hg19) VCF-style: chr11-821974-G-T.
Other names: short protein forms G146V.
Identifiers: ClinVar variation 1378492 (VCV001378492.6), dbSNP rs1430834122, ClinGen allele CA378978776.

ClinVar aggregate classification (germline): Uncertain significance (1 of 4 stars; one submission).

Conditions:
Neutral lipid storage myopathy (NLSDM). Also called: NEUTRAL LIPID STORAGE DISEASE WITHOUT ICHTHYOSIS. Identifiers: Orphanet 98908, MedGen C1853136, MONDO:0012545, OMIM 610717.

Submission:

Labcorp Genetics (formerly Invitae), Labcorp
Classification: Uncertain significance for Neutral lipid storage myopathy. Last evaluated: 2022-03-08. Review status: criteria provided, single submitter. Criteria: Invitae Variant Classification Sherloc (09022015). Collection method: clinical testing. Allele origin: germline.
Comment: In summary, the available evidence is currently insufficient to determine the role of this variant in disease. Therefore, it has been classified as a Variant of Uncertain Significance. This sequence change replaces glycine, which is neutral and non-polar, with valine, which is neutral and non-polar, at codon 146 of the PNPLA2 protein (p.Gly146Val). This variant is not present in population databases (gnomAD no frequency). This variant has not been reported in the literature in individuals affected with PNPLA2-related conditions. Algorithms developed to predict the effect of missense changes on protein structure and function (SIFT, PolyPhen-2, Align-GVGD) all suggest that this variant is likely to be tolerated.